The following is an entry in ClinVar:

NM_007194.4(CHEK2):c.1097_1124dup (p.Leu375delinsPheTyrTer)

Gene: CHEK2 (checkpoint kinase 2; minus strand). Cytogenetic location: 22q12.1.
Variant type: Duplication.
Coding change: c.1097_1124dup on transcript NM_007194.4 (MANE Select); coding-DNA positions 1097 to 1124, 28 bases duplicated (TTACTGATTTTGGGCACTCCAAGATTTT).
Protein change: p.Leu375delinsPheTyrTer.
Molecular consequence: nonsense.
Genome position (GRCh38, 1-based): chr22:28,695,845-28,695,872, AAAATCTTGGAGTGCCCAAAATCAGTAA duplicated on the plus strand (TTACTGATTTTGGGCACTCCAAGATTTT on the coding strand, the reverse complement: CHEK2 is on the minus strand). VCF-style (leftmost placement, unchanged base first): chr22-28695844-C-CAAAATCTTGGAGTGCCCAAAATCAGTAA. GRCh37 (hg19) VCF-style: chr22-29091832-C-CAAAATCTTGGAGTGCCCAAAATCAGTAA.
Other names: c.1226_1253dup, p.Leu418delinsPheTyrTer (NM_001005735.3); c.434_461dup, p.Leu154delinsPheTyrTer (NM_001257387.3, NM_001437942.1); c.896_923dup, p.Leu308delinsPheTyrTer (NM_001349956.3); c.1190_1217dup, p.Leu406delinsPheTyrTer (NM_001438293.1); c.1139_1166dup, p.Leu389delinsPheTyrTer (NM_001438294.1); c.1103_1130dup, p.Leu377delinsPheTyrTer (NM_001438295.1); c.1010_1037dup, p.Leu346delinsPheTyrTer (NM_145862.3).
Identifiers: ClinVar variation 4634872 (VCV004634872.1).
Genomic context (GRCh38, chr22:28,695,844, plus strand): 5'-AACTTCAGGCGCCAAGTAGGTGGGGGTTCCACATAAGGTTCTCATGAGAGAGGTCTCTCC[C>CAAAATCTTGGAGTGCCCAAAATCAGTAA]AAAATCTTGGAGTGCCCAAAATCAGTAATCTAAAATTCAGTACAAAAGGGAATAATGTTG-3'

ClinVar aggregate classification (germline): Pathogenic (1 of 4 stars; one submission).

Conditions:
Hereditary cancer-predisposing syndrome. Also called: Neoplastic Syndromes, Hereditary; Tumor predisposition; Hereditary Cancer Syndrome; Hereditary neoplastic syndrome. Identifiers: Orphanet 140162, MedGen C0027672, MeSH D009386, MONDO:0015356.

Submission:

Ambry Genetics
Classification: Pathogenic for Hereditary cancer-predisposing syndrome. Last evaluated: 2025-11-04. Review status: criteria provided, single submitter. Criteria: Ambry Variant Classification Scheme 2023. Collection method: clinical testing. Allele origin: germline.
Comment: The c.1097_1124dup28 pathogenic mutation, located in coding exon 10 of the CHEK2 gene, results from a duplication of TTACTGATTTTGGGCACTCCAAGATTTT at nucleotide position 1097, causing a translational frameshift with a predicted alternate stop codon (p.L375Ffs*3). This variant is considered to be rare based on population cohorts in the Genome Aggregation Database (gnomAD). This alteration is expected to result in loss of function by premature protein truncation or nonsense-mediated mRNA decay. As such, this alteration is interpreted as a disease-causing mutation.